The following is an entry in ClinVar:

NM_033026.6(PCLO):c.14097+3A>C

Gene: PCLO (piccolo presynaptic cytomatrix protein; minus strand). Cytogenetic location: 7q21.11.
Variant type: single nucleotide variant.
Coding change: c.14097+3A>C on transcript NM_033026.6 (MANE Select); 3 bases into the intron after coding-DNA position 14097, A replaced by C.
Molecular consequence: intron variant.
Genome position (GRCh38, 1-based): chr7:82,841,456, T>G on the plus strand (A>C on the coding strand, the complement: PCLO is on the minus strand). VCF-style: chr7-82841456-T-G. GRCh37 (hg19) VCF-style: chr7-82470772-T-G.
Other names: c.14097+3A>C (NM_014510.3).
Identifiers: ClinVar variation 2051203 (VCV002051203.1), dbSNP rs1313857642, ClinGen allele CA842936122.

ClinVar aggregate classification (germline): Uncertain significance (1 of 4 stars; one submission).

Allele frequency attached by ClinVar (database versions not stated): TOPMed below 0.00001; gnomAD 0.00001.
gnomAD v4.1: 1 of 1,594,692 alleles (0.000063%); highest among the groups gnomAD compares: Non-Finnish European, 0.000086%; no homozygotes.

Submission:

Labcorp Genetics (formerly Invitae), Labcorp
Classification: Uncertain significance. Last evaluated: 2022-02-02. Review status: criteria provided, single submitter. Criteria: Invitae Variant Classification Sherloc (09022015). Collection method: clinical testing. Allele origin: germline.
Comment: This sequence change falls in intron 14 of the PCLO gene. It does not directly change the encoded amino acid sequence of the PCLO protein. It affects a nucleotide within the consensus splice site. This variant is not present in population databases (gnomAD no frequency). This variant has not been reported in the literature in individuals affected with PCLO-related conditions. Variants that disrupt the consensus splice site are a relatively common cause of aberrant splicing (PMID: 17576681, 9536098). Algorithms developed to predict the effect of sequence changes on RNA splicing suggest that this variant may disrupt the consensus splice site. In summary, the available evidence is currently insufficient to determine the role of this variant in disease. Therefore, it has been classified as a Variant of Uncertain Significance.

Literature cited by the submitters: PubMed 17576681; PubMed 9536098.